The following is an entry in ClinVar:

ClinVar aggregate classification (germline): Likely benign. Review status: criteria provided, multiple submitters, no conflicts (2 of 4 stars). 3 submissions from 3 submitters: Likely benign (3). Last evaluated 2023-11-20.

Conditions:
RYR1-related disorder. Also called: RYR1-related condition; RYR1-related disorders. Identifiers: MedGen CN239331.
Malignant hyperthermia, susceptibility to, 1 (MHS1). Also called: Malignant hyperthermia suceptibility 1; RYR1-Related Malignant Hyperthermia Susceptibility; Anesthesia related hyperthermia; Malignant hyperpyrexia; Fulminating hyperpyrexia; Pharmacogenic myopathy. Identifiers: Orphanet 423, MedGen C2930980, MONDO:0007783, OMIM 145600.

Submissions (3):

All of Us Research Program, National Institutes of Health
Classification: Likely benign for Malignant hyperthermia, susceptibility to, 1. Last evaluated: 2023-11-20. Review status: criteria provided, single submitter. Criteria: ACMG Guidelines, 2015. Collection method: clinical testing. Allele origin: germline. Inheritance: Autosomal dominant inheritance. Observed: 1 variant allele, 1 heterozygote.
Comment: This study involves interpretation of variants in research participants for the purpose of population health screening. Participant phenotype was not available at the time of variant classification. Additional details can be found in publication PMID: 35346344, PMCID: PMC8962531

Color Diagnostics, LLC DBA Color Health
Classification: Likely benign for Malignant hyperthermia, susceptibility to, 1. Last evaluated: 2023-11-02. Review status: criteria provided, single submitter. Criteria: ACMG Guidelines, 2015. Collection method: clinical testing. Allele origin: germline.

Labcorp Genetics (formerly Invitae), Labcorp
Classification: Likely benign for RYR1-related disorder. Last evaluated: 2018-06-28. Review status: criteria provided, single submitter. Criteria: Invitae Variant Classification Sherloc (09022015). Collection method: clinical testing. Allele origin: germline.

NM_000540.3(RYR1):c.2361-5C>T

Gene: RYR1 (ryanodine receptor 1; plus strand). Cytogenetic location: 19q13.2.
Variant type: single nucleotide variant.
Coding change: c.2361-5C>T on transcript NM_000540.3 (MANE Select); 5 bases into the intron before coding-DNA position 2361, C replaced by T.
Molecular consequence: intron variant.
Genome position (GRCh38, 1-based): chr19:38,460,370, C>T. VCF-style: chr19-38460370-C-T. GRCh37 (hg19) VCF-style: chr19-38951010-C-T.
Other names: c.2361-5C>T (NM_001042723.2).
Identifiers: ClinVar variation 761806 (VCV000761806.11), dbSNP rs891381006, ClinGen allele CA308071182.